The following is an entry in ClinVar:

ClinVar aggregate classification (germline): Uncertain significance (1 of 4 stars; one submission).

Conditions:
Familial meningioma. Also called: Meningioma, familial, susceptibility to. Identifiers: Orphanet 263662, MedGen C3551915, MONDO:0011789, OMIM 607174.

Submission:

Labcorp Genetics (formerly Invitae), Labcorp
Classification: Uncertain significance for Familial meningioma. Last evaluated: 2022-07-14. Review status: criteria provided, single submitter. Criteria: Invitae Variant Classification Sherloc (09022015). Collection method: clinical testing. Allele origin: germline.
Comment: In summary, the available evidence is currently insufficient to determine the role of this variant in disease. Therefore, it has been classified as a Variant of Uncertain Significance. Algorithms developed to predict the effect of missense changes on protein structure and function are either unavailable or do not agree on the potential impact of this missense change (SIFT: "Deleterious"; PolyPhen-2: "Possibly Damaging"; Align-GVGD: "Class C0"). This variant has not been reported in the literature in individuals affected with SMARCE1-related conditions. This variant is not present in population databases (gnomAD no frequency). This sequence change replaces isoleucine, which is neutral and non-polar, with phenylalanine, which is neutral and non-polar, at codon 100 of the SMARCE1 protein (p.Ile100Phe).

NM_003079.5(SMARCE1):c.298A>T (p.Ile100Phe)

Gene: SMARCE1 (SWI/SNF related BAF chromatin remodeling complex subunit E1; minus strand). Cytogenetic location: 17q21.2.
Variant type: single nucleotide variant.
Coding change: c.298A>T on transcript NM_003079.5 (MANE Select); coding-DNA position 298, A replaced by T.
Protein change: p.Ile100Phe; replaces isoleucine 100 with phenylalanine.
Molecular consequence: missense variant.
Genome position (GRCh38, 1-based): chr17:40,636,466, T>A on the plus strand (A>T on the coding strand, the complement: SMARCE1 is on the minus strand). VCF-style: chr17-40636466-T-A. GRCh37 (hg19) VCF-style: chr17-38792718-T-A.
Other names: short protein forms I100F.
Identifiers: ClinVar variation 1717814 (VCV001717814.5), dbSNP rs2508604637, ClinGen allele CA399367303.